The following is an entry in ClinVar:

NM_014795.4(ZEB2):c.161A>G (p.Asn54Ser)

Gene: ZEB2 (zinc finger E-box binding homeobox 2; minus strand). Cytogenetic location: 2q22.3.
Variant type: single nucleotide variant.
Coding change: c.161A>G on transcript NM_014795.4 (MANE Select); coding-DNA position 161, A replaced by G.
Protein change: p.Asn54Ser; replaces asparagine 54 with serine.
Molecular consequence: missense variant.
Genome position (GRCh38, 1-based): chr2:144,429,939, T>C on the plus strand (A>G on the coding strand, the complement: ZEB2 is on the minus strand). VCF-style: chr2-144429939-T-C. GRCh37 (hg19) VCF-style: chr2-145187506-T-C.
Other names: c.161A>G, p.Asn54Ser (NM_001171653.2); short protein forms N54S.
Identifiers: ClinVar variation 2153328 (VCV002153328.4), dbSNP rs1280380229, ClinGen allele CA348718933.

ClinVar aggregate classification (germline): Uncertain significance (1 of 4 stars; one submission).

Conditions:
Mowat-Wilson syndrome (MOWS). Also called: Classic Mowat-Wilson Syndrome. Identifiers: Orphanet 2152, MedGen C1856113, MONDO:0009341, OMIM 235730.

Allele frequency attached by ClinVar (database versions not stated): TOPMed below 0.00001; gnomAD exomes 0.00001.
gnomAD v4.1: 3 of 1,613,802 alleles (0.00019%); highest among the groups gnomAD compares: East Asian, 0.0022%; no homozygotes.

Submission:

Labcorp Genetics (formerly Invitae), Labcorp
Classification: Uncertain significance for Mowat-Wilson syndrome. Last evaluated: 2024-07-30. Review status: criteria provided, single submitter. Criteria: Invitae Variant Classification Sherloc (09022015). Collection method: clinical testing. Allele origin: germline.
Comment: This sequence change replaces asparagine, which is neutral and polar, with serine, which is neutral and polar, at codon 54 of the ZEB2 protein (p.Asn54Ser). This variant is present in population databases (no rsID available, gnomAD 0.007%). This variant has not been reported in the literature in individuals affected with ZEB2-related conditions. ClinVar contains an entry for this variant (Variation ID: 2153328). Advanced modeling of protein sequence and biophysical properties (such as structural, functional, and spatial information, amino acid conservation, physicochemical variation, residue mobility, and thermodynamic stability) performed at Invitae indicates that this missense variant is not expected to disrupt ZEB2 protein function with a negative predictive value of 80%. In summary, the available evidence is currently insufficient to determine the role of this variant in disease. Therefore, it has been classified as a Variant of Uncertain Significance.